The following is an entry in ClinVar:

ClinVar aggregate classification (germline): Uncertain significance (1 of 4 stars; one submission).

gnomAD v4.1: 2 of 1,614,154 alleles (0.00012%); highest among the groups gnomAD compares: Non-Finnish European, 0.00017%; no homozygotes.

Submission:

Labcorp Genetics (formerly Invitae), Labcorp
Classification: Uncertain significance. Last evaluated: 2025-09-15. Review status: criteria provided, single submitter. Criteria: Invitae Variant Classification Sherloc (09022015). Collection method: clinical testing. Allele origin: germline.
Comment: This sequence change replaces serine, which is neutral and polar, with alanine, which is neutral and non-polar, at codon 96 of the SLC16A1 protein (p.Ser96Ala). This variant is not present in population databases (gnomAD no frequency). This variant has not been reported in the literature in individuals affected with SLC16A1-related conditions. An algorithm developed to predict the effect of missense changes on protein structure and function outputs the following: PolyPhen-2: "Benign". The alanine amino acid residue is found in multiple mammalian species, which suggests that this missense change does not adversely affect protein function. In summary, the available evidence is currently insufficient to determine the role of this variant in disease. Therefore, it has been classified as a Variant of Uncertain Significance.

NM_003051.4(SLC16A1):c.286T>G (p.Ser96Ala)

Gene: SLC16A1 (solute carrier family 16 member 1; minus strand). Cytogenetic location: 1p13.2.
Variant type: single nucleotide variant.
Coding change: c.286T>G on transcript NM_003051.4 (MANE Select); coding-DNA position 286, T replaced by G.
Protein change: p.Ser96Ala; replaces serine 96 with alanine.
Molecular consequence: missense variant.
Genome position (GRCh38, 1-based): chr1:112,922,065, A>C on the plus strand (T>G on the coding strand, the complement: SLC16A1 is on the minus strand). VCF-style: chr1-112922065-A-C. GRCh37 (hg19) VCF-style: chr1-113464687-A-C.
Other names: c.286T>G, p.Ser96Ala (NM_001166496.2); short protein forms S96A.
Identifiers: ClinVar variation 4797534 (VCV004797534.1).
Genomic context (GRCh38, chr1:112,922,065, plus strand): 5'-TACAGACGTATAGTTGCTGTACGGTGTTACAGAAAGAAGCTGCAATCAAGCCACAGCCTG[A>C]CAAGCAGCCACCAACAATCATGACTATACGACTTCCATATTTATTCACCAGGATACTGCT-3'
Protein context (NP_003042.3, residues 86-106): RIVMIVGGCL[Ser96Ala]GCGLIAASFC